The following is an entry in ClinVar:

NM_000540.3(RYR1):c.2998G>A (p.Val1000Met)

Gene: RYR1 (ryanodine receptor 1; plus strand). Cytogenetic location: 19q13.2.
Variant type: single nucleotide variant.
Coding change: c.2998G>A on transcript NM_000540.3 (MANE Select); coding-DNA position 2998, G replaced by A.
Protein change: p.Val1000Met; replaces valine 1000 with methionine.
Molecular consequence: missense variant.
Genome position (GRCh38, 1-based): chr19:38,466,218, G>A. VCF-style: chr19-38466218-G-A. GRCh37 (hg19) VCF-style: chr19-38956858-G-A.
Other names: c.2998G>A, p.Val1000Met (NM_001042723.2); short protein forms V1000M.
Identifiers: ClinVar variation 1305923 (VCV001305923.7), dbSNP rs138209392, ClinGen allele CA064301.

ClinVar aggregate classification (germline): Uncertain significance. Review status: criteria provided, multiple submitters, no conflicts (2 of 4 stars). 6 submissions from 6 submitters: Uncertain significance (6). Last evaluated 2025-04-23.

Conditions:
RYR1-related disorder. Also called: RYR1-related disorders; RYR1-related condition. Identifiers: MedGen CN239331.
Central core myopathy (CMYO1A). Also called: CONGENITAL MYOPATHY 1A, AUTOSOMAL DOMINANT, WITH SUSCEPTIBILITY TO MALIGNANT HYPERTHERMIA; Central core disease; Myopathy, central fibrillar. Identifiers: Orphanet 597, MedGen C5830701, MONDO:0007294, OMIM 117000.
Congenital myopathy with fiber type disproportion. Also called: Congenital fiber-type disproportion; Congenital fiber-type disproportion myopathy. Identifiers: Orphanet 2020, MedGen C0546264, MONDO:0009711. Inheritance: all.
King Denborough syndrome (KDS). Identifiers: MedGen C1840365, MONDO:0020485, OMIM 619542.
Congenital multicore myopathy with external ophthalmoplegia (CMYO1B). Also called: Minicore myopathy with external ophthalmoplegia; MULTIMINICORE DISEASE WITH EXTERNAL OPHTHALMOPLEGIA; MULTICORE MYOPATHY; Congenital myopathy 1B, autosomal recessive; Minicore myopathy. Identifiers: Orphanet 598, Orphanet 98905, MedGen C1850674, MONDO:0009712, OMIM 255320, HP:0003789.
Malignant hyperthermia, susceptibility to, 1 (MHS1). Also called: RYR1-Related Malignant Hyperthermia Susceptibility; Anesthesia related hyperthermia; Malignant hyperpyrexia; Fulminating hyperpyrexia; Pharmacogenic myopathy; Malignant hyperthermia suceptibility 1. Identifiers: Orphanet 423, MedGen C2930980, MONDO:0007783, OMIM 145600.

Allele frequency attached by ClinVar (database versions not stated): gnomAD exomes 0.00001 and 0.00002; ExAC 0.00003; gnomAD 0.00005 and 0.00006; TOPMed 0.00006; ESP Exome Variant Server 0.00008.
gnomAD v4.1: 20 of 1,613,322 alleles (0.0012%); highest among the groups gnomAD compares: African/African-American, 0.012%; no homozygotes.

Submissions (6):

Revvity Omics, Revvity
Classification: Uncertain significance. Last evaluated: 2025-04-23. Review status: criteria provided, single submitter. Criteria: ACMG Guidelines, 2015. Collection method: clinical testing. Allele origin: germline.

Labcorp Genetics (formerly Invitae), Labcorp
Classification: Uncertain significance for RYR1-related disorder. Last evaluated: 2025-01-06. Review status: criteria provided, single submitter. Criteria: Invitae Variant Classification Sherloc (09022015). Collection method: clinical testing. Allele origin: germline.
Comment: This sequence change replaces valine, which is neutral and non-polar, with methionine, which is neutral and non-polar, at codon 1000 of the RYR1 protein (p.Val1000Met). This variant is present in population databases (rs138209392, gnomAD 0.008%). This variant has not been reported in the literature in individuals affected with RYR1-related conditions. ClinVar contains an entry for this variant (Variation ID: 1305923). Invitae Evidence Modeling of protein sequence and biophysical properties (such as structural, functional, and spatial information, amino acid conservation, physicochemical variation, residue mobility, and thermodynamic stability) has been performed for this missense variant. However, the output from this modeling did not meet the statistical confidence thresholds required to predict the impact of this variant on RYR1 protein function. In summary, the available evidence is currently insufficient to determine the role of this variant in disease. Therefore, it has been classified as a Variant of Uncertain Significance.

Color Diagnostics, LLC DBA Color Health
Classification: Uncertain significance for Malignant hyperthermia, susceptibility to, 1. Last evaluated: 2024-06-26. Review status: criteria provided, single submitter. Criteria: ACMG Guidelines, 2015. Collection method: clinical testing. Allele origin: germline.
Comment: This missense variant replaces valine with methionine at codon 1000 of the RYR1 protein. Computational prediction is inconclusive regarding the impact of this variant on protein structure and function. To our knowledge, functional studies have not been reported for this variant. This variant has not been reported in individuals affected with RYR1-related disorders in the literature. This variant has been identified in 7/280654 chromosomes in the general population by the Genome Aggregation Database (gnomAD). The available evidence is insufficient to determine the role of this variant in disease conclusively. Therefore, this variant is classified as a Variant of Uncertain Significance.

Genomic Medicine Center of Excellence, King Faisal Specialist Hospital and Research Centre
Classification: Uncertain significance for Central core myopathy. Last evaluated: 2024-04-04. Review status: criteria provided, single submitter. Criteria: ACMG Guidelines, 2015. Collection method: clinical testing. Allele origin: germline.

Fulgent Genetics
Classification: Uncertain significance for Central core myopathy; Malignant hyperthermia, susceptibility to, 1; Congenital myopathy 4A, autosomal dominant; Congenital multicore myopathy with external ophthalmoplegia; King Denborough syndrome. Last evaluated: 2021-10-28. Review status: criteria provided, single submitter. Criteria: ACMG Guidelines, 2015. Collection method: clinical testing. Allele origin: unknown.

GeneDx
Classification: Uncertain significance. Last evaluated: 2019-05-17. Review status: criteria provided, single submitter. Criteria: GeneDx Variant Classification Process June 2021. Collection method: clinical testing. Allele origin: germline. Affected: yes.
Comment: In silico analysis, which includes protein predictors and evolutionary conservation, supports that this variant does not alter protein structure/function; Has not been previously published as pathogenic or benign to our knowledge